The following is an entry in ClinVar:

ClinVar aggregate classification (germline): Likely pathogenic. Review status: criteria provided, multiple submitters, no conflicts (2 of 4 stars). 2 submissions from 2 submitters: Likely pathogenic (2). Last evaluated 2025-07-13.

Conditions:
X-linked Alport syndrome (ATS1). Also called: NEPHROPATHY AND DEAFNESS, X-LINKED; COL4A5-Related Nephropathy. Identifiers: Orphanet 63, Orphanet 88917, MedGen C4746986, MONDO:0010520, OMIM 301050.

Submissions (2):

Labcorp Genetics (formerly Invitae), Labcorp
Classification: Likely pathogenic. Last evaluated: 2025-07-13. Review status: criteria provided, single submitter. Criteria: Invitae Variant Classification Sherloc (09022015). Collection method: clinical testing. Allele origin: germline.
Comment: This sequence change replaces glycine, which is neutral and non-polar, with aspartic acid, which is acidic and polar, at codon 141 of the COL4A5 protein (p.Gly141Asp). This variant is not present in population databases (gnomAD no frequency). This variant has not been reported in the literature in individuals affected with COL4A5-related conditions. ClinVar contains an entry for this variant (Variation ID: 3252034). Invitae Evidence Modeling of protein sequence and biophysical properties (such as structural, functional, and spatial information, amino acid conservation, physicochemical variation, residue mobility, and thermodynamic stability) indicates that this missense variant is expected to disrupt COL4A5 protein function with a positive predictive value of 95%. This variant disrupts the triple helix domain of COL4A5. Glycine residues within the Gly-Xaa-Yaa repeats of the triple helix domain are required for the structure and stability of fibrillar collagens (PMID: 7695699, 8218237, 19344236). In COL4A5, missense variants at these glycine residues are significantly enriched in individuals with disease (PMID: 23720012, 27627812) compared to the general population (ExAC). In summary, the currently available evidence indicates that the variant is pathogenic, but additional data are needed to prove that conclusively. Therefore, this variant has been classified as Likely Pathogenic.

Institute of Human Genetics, Cologne University
Classification: Likely pathogenic for X-linked Alport syndrome. Last evaluated: 2024-05-28. Review status: criteria provided, single submitter. Criteria: ACMG Guidelines, 2015. Collection method: clinical testing. Allele origin: germline. Affected: yes.

Literature cited by the submitters: PubMed 7695699 (cited by Labcorp Genetics (formerly Invitae), Labcorp); PubMed 8218237 (cited by Labcorp Genetics (formerly Invitae), Labcorp); PubMed 19344236 (cited by Labcorp Genetics (formerly Invitae), Labcorp); PubMed 23720012 (cited by Labcorp Genetics (formerly Invitae), Labcorp); PubMed 27627812 (cited by Labcorp Genetics (formerly Invitae), Labcorp).

NM_033380.3(COL4A5):c.422G>A (p.Gly141Asp)

Gene: COL4A5 (collagen type IV alpha 5 chain; plus strand). Cytogenetic location: Xq22.3.
Variant type: single nucleotide variant.
Coding change: c.422G>A on transcript NM_033380.3 (MANE Select); coding-DNA position 422, G replaced by A.
Protein change: p.Gly141Asp; replaces glycine 141 with aspartic acid.
Molecular consequence: missense variant.
Genome position (GRCh38, 1-based): chrX:108,571,450, G>A. VCF-style: chrX-108571450-G-A. GRCh37 (hg19) VCF-style: chrX-107814680-G-A.
Other names: c.422G>A, p.Gly141Asp (NM_000495.5); short protein forms G141D.
Identifiers: ClinVar variation 3252034 (VCV003252034.2), dbSNP rs2524207795.